The following is an entry in ClinVar:

ClinVar aggregate classification (germline): Uncertain significance. Review status: criteria provided, multiple submitters, no conflicts (2 of 4 stars). 2 submissions from 2 submitters: Uncertain significance (2). Last evaluated 2025-01-27.

Conditions:
Hereditary nonpolyposis colorectal neoplasms. Identifiers: MedGen C0009405, MeSH D003123.
Hereditary cancer-predisposing syndrome. Also called: Hereditary neoplastic syndrome; Tumor predisposition; Neoplastic Syndromes, Hereditary; Hereditary Cancer Syndrome. Identifiers: Orphanet 140162, MedGen C0027672, MeSH D009386, MONDO:0015356.

gnomAD v4.1: 1 of 1,612,956 alleles (0.000062%); highest among the groups gnomAD compares: Non-Finnish European, 0.000085%; no homozygotes.

Submissions (2):

Ambry Genetics
Classification: Uncertain significance for Hereditary cancer-predisposing syndrome. Last evaluated: 2025-01-27. Review status: criteria provided, single submitter. Criteria: Ambry Variant Classification Scheme 2023. Collection method: clinical testing. Allele origin: germline.
Comment: The p.S365T variant (also known as c.1094G>C), located in coding exon 10 of the PMS2 gene, results from a G to C substitution at nucleotide position 1094. The serine at codon 365 is replaced by threonine, an amino acid with similar properties. This amino acid position is not well conserved in available vertebrate species. In addition, this alteration is predicted to be tolerated by in silico analysis. Based on the available evidence, the clinical significance of this variant remains unclear.

Labcorp Genetics (formerly Invitae), Labcorp
Classification: Uncertain significance for Hereditary nonpolyposis colorectal neoplasms. Last evaluated: 2024-03-12. Review status: criteria provided, single submitter. Criteria: Invitae Variant Classification Sherloc (09022015). Collection method: clinical testing. Allele origin: germline.
Comment: This sequence change replaces serine, which is neutral and polar, with threonine, which is neutral and polar, at codon 365 of the PMS2 protein (p.Ser365Thr). This variant is not present in population databases (gnomAD no frequency). This variant has not been reported in the literature in individuals affected with PMS2-related conditions. ClinVar contains an entry for this variant (Variation ID: 655874). Advanced modeling of protein sequence and biophysical properties (such as structural, functional, and spatial information, amino acid conservation, physicochemical variation, residue mobility, and thermodynamic stability) performed at Invitae indicates that this missense variant is not expected to disrupt PMS2 protein function with a negative predictive value of 80%. In summary, the available evidence is currently insufficient to determine the role of this variant in disease. Therefore, it has been classified as a Variant of Uncertain Significance.

NM_000535.7(PMS2):c.1094G>C (p.Ser365Thr)

Gene: PMS2 (PMS1 homolog 2, mismatch repair system component; minus strand). Cytogenetic location: 7p22.1.
Variant type: single nucleotide variant.
Coding change: c.1094G>C on transcript NM_000535.7 (MANE Select); coding-DNA position 1094, G replaced by C.
Protein change: p.Ser365Thr; replaces serine 365 with threonine.
Molecular consequence: missense variant. On other transcripts: non-coding transcript variant (1), intron variant (2).
Genome position (GRCh38, 1-based): chr7:5,989,850, C>G on the plus strand (G>C on the coding strand, the complement: PMS2 is on the minus strand). VCF-style: chr7-5989850-C-G. GRCh37 (hg19) VCF-style: chr7-6029481-C-G.
Other names: c.689G>C, p.Ser230Thr (NM_001322003.2, NM_001322004.2, NM_001322005.2 and 1 more transcripts); c.776G>C, p.Ser259Thr (NM_001322007.2, NM_001322008.2); c.161G>C, p.Ser54Thr (NM_001322011.2, NM_001322012.2); c.521G>C, p.Ser174Thr (NM_001322013.2); c.1094G>C, p.Ser365Thr (NM_001322014.2); c.785G>C, p.Ser262Thr (NM_001322015.2); c.583+2123G>C (NM_001322010.2); c.988+2123G>C (NM_001322006.2); short protein forms S54T, S259T, S365T, S174T, S230T, S262T.
Identifiers: ClinVar variation 655874 (VCV000655874.12), dbSNP rs1554298690, ClinGen allele CA366742821.